The following is an entry in ClinVar:

NM_020699.4(GATAD2B):c.625A>T (p.Ile209Phe)

Gene: GATAD2B (GATA zinc finger domain containing 2B; minus strand). Cytogenetic location: 1q21.3.
Variant type: single nucleotide variant.
Coding change: c.625A>T on transcript NM_020699.4 (MANE Select); coding-DNA position 625, A replaced by T.
Protein change: p.Ile209Phe; replaces isoleucine 209 with phenylalanine.
Molecular consequence: missense variant.
Genome position (GRCh38, 1-based): chr1:153,818,144, T>A on the plus strand (A>T on the coding strand, the complement: GATAD2B is on the minus strand). VCF-style: chr1-153818144-T-A. GRCh37 (hg19) VCF-style: chr1-153790620-T-A.
Other names: short protein forms I209F.
Identifiers: ClinVar variation 1723001 (VCV001723001.7), dbSNP rs563781893, ClinGen allele CA1120814.

ClinVar aggregate classification (germline): Uncertain significance. Review status: criteria provided, multiple submitters, no conflicts (2 of 4 stars). 3 submissions from 3 submitters: Uncertain significance (3). Last evaluated 2024-05-29.

Conditions:
Severe intellectual disability-poor language-strabismus-grimacing face-long fingers syndrome (GAND). Also called: GAND SYNDROME. Identifiers: Orphanet 363686, MedGen C3554448, MONDO:0014034, OMIM 615074.

gnomAD v4.1: 1 of 1,612,352 alleles (0.000062%); highest among the groups gnomAD compares: African/African-American, 0.0013%; no homozygotes.

Submissions (3):

Labcorp Genetics (formerly Invitae), Labcorp
Classification: Uncertain significance. Last evaluated: 2024-05-29. Review status: criteria provided, single submitter. Criteria: Invitae Variant Classification Sherloc (09022015). Collection method: clinical testing. Allele origin: germline.
Comment: This sequence change replaces isoleucine, which is neutral and non-polar, with phenylalanine, which is neutral and non-polar, at codon 209 of the GATAD2B protein (p.Ile209Phe). This variant is present in population databases (rs563781893, gnomAD 0.007%). This variant has not been reported in the literature in individuals affected with GATAD2B-related conditions. ClinVar contains an entry for this variant (Variation ID: 1723001). Advanced modeling of protein sequence and biophysical properties (such as structural, functional, and spatial information, amino acid conservation, physicochemical variation, residue mobility, and thermodynamic stability) performed at Invitae indicates that this missense variant is not expected to disrupt GATAD2B protein function with a negative predictive value of 80%. In summary, the available evidence is currently insufficient to determine the role of this variant in disease. Therefore, it has been classified as a Variant of Uncertain Significance.

Genome-Nilou Lab
Classification: Uncertain significance for Severe intellectual disability-poor language-strabismus-grimacing face-long fingers syndrome. Last evaluated: 2023-04-11. Review status: criteria provided, single submitter. Criteria: ACMG Guidelines, 2015. Collection method: clinical testing. Allele origin: germline. Affected: no.

GeneDx
Classification: Uncertain significance. Last evaluated: 2022-05-06. Review status: criteria provided, single submitter. Criteria: GeneDx Variant Classification Process June 2021. Collection method: clinical testing. Allele origin: germline. Affected: yes.
Comment: In silico analysis supports that this missense variant does not alter protein structure/function; Has not been previously published as pathogenic or benign to our knowledge